The following is an entry in ClinVar:

ClinVar aggregate classification (germline): Likely pathogenic (1 of 4 stars; one submission).

Conditions:
Atypical hemolytic-uremic syndrome. Identifiers: Orphanet 2134, MedGen C2931788, MONDO:0016244.

Submission:

Genomenon, Inc
Classification: Likely pathogenic for Atypical hemolytic-uremic syndrome. Last evaluated: 2025-10-02. Review status: criteria provided, single submitter. Criteria: Genomenon Sequence Variant Interpretation Standards - Updated. Collection method: curation. Allele origin: germline. Affected: yes.
Comment: CFH p.Trp1183Arg (c.3547T>C) is a missense variant that changes the amino acid at residue 1183 from Tryptophan to Arginine. This variant has been observed in at least one proband affected with atypical hemolytic-uremic syndrome (PMID:29888403;31328266;20059470;12960213). Functional studies have been reported (PMID:29218045;19454698;34189567). It is absent or not present at a significant frequency in gnomAD. In silico models agree that this variant is possibly or probably damaging. In conclusion, we classify CFH p.Trp1183Arg (c.3547T>C) as a likely pathogenic variant.

Literature cited by the submitters: PubMed 29888403; PubMed 31328266; PubMed 20059470; PubMed 12960213; PubMed 29218045; PubMed 19454698; PubMed 34189567.

NM_000186.4(CFH):c.3547T>C (p.Trp1183Arg)

Gene: CFH (complement factor H; plus strand). Cytogenetic location: 1q31.3.
Variant type: single nucleotide variant.
Coding change: c.3547T>C on transcript NM_000186.4 (MANE Select); coding-DNA position 3547, T replaced by C.
Protein change: p.Trp1183Arg; replaces tryptophan 1183 with arginine.
Molecular consequence: missense variant.
Genome position (GRCh38, 1-based): chr1:196,747,164, T>C. VCF-style: chr1-196747164-T-C. GRCh37 (hg19) VCF-style: chr1-196716294-T-C.
Other names: short protein forms W1183R.
Identifiers: ClinVar variation 4291670 (VCV004291670.1).